The following is an entry in ClinVar:

ClinVar aggregate classification (germline): Uncertain significance (1 of 4 stars; one submission).

Conditions:
Hereditary cancer-predisposing syndrome. Also called: Tumor predisposition; Neoplastic Syndromes, Hereditary; Hereditary neoplastic syndrome; Hereditary Cancer Syndrome. Identifiers: Orphanet 140162, MedGen C0027672, MeSH D009386, MONDO:0015356.

Submission:

Ambry Genetics
Classification: Uncertain significance for Hereditary cancer-predisposing syndrome. Last evaluated: 2025-06-18. Review status: criteria provided, single submitter. Criteria: Ambry Variant Classification Scheme 2023. Collection method: clinical testing. Allele origin: germline.
Comment: The p.D390N variant (also known as c.1168G>A), located in coding exon 9 of the MITF gene, results from a G to A substitution at nucleotide position 1168. The aspartic acid at codon 390 is replaced by asparagine, an amino acid with highly similar properties. This amino acid position is conserved. In addition, the in silico prediction for this alteration is inconclusive. Based on the available evidence, the clinical significance of this variant remains unclear.

NM_001354604.2(MITF):c.1489G>A (p.Asp497Asn)

Gene: MITF (melanocyte inducing transcription factor; plus strand). Cytogenetic location: 3p13.
Variant type: single nucleotide variant.
Coding change: c.1489G>A on transcript NM_001354604.2 (MANE Select); coding-DNA position 1489, G replaced by A.
Protein change: p.Asp497Asn; replaces aspartic acid 497 with asparagine.
Molecular consequence: missense variant.
Genome position (GRCh38, 1-based): chr3:69,965,156, G>A. VCF-style: chr3-69965156-G-A. GRCh37 (hg19) VCF-style: chr3-70014307-G-A.
Other names: c.1168G>A, p.Asp390Asn (NM_000248.4); c.1315G>A, p.Asp439Asn (NM_001184967.2, NM_001354608.2); c.1486G>A, p.Asp496Asn (NM_001354605.2); c.1468G>A, p.Asp490Asn (NM_001354606.2, NM_006722.3); c.1420G>A, p.Asp474Asn (NM_001354607.2); c.1150G>A, p.Asp384Asn (NM_198158.3); c.1471G>A, p.Asp491Asn (NM_198159.3); c.1423G>A, p.Asp475Asn (NM_198177.3); and 1 more; short protein forms D328N, D384N, D474N, D439N, D497N, D390N, D475N, D490N.
Identifiers: ClinVar variation 4108280 (VCV004108280.1).